The following is an entry in ClinVar:

NM_003742.4(ABCB11):c.2792A>C (p.Gln931Pro)

Genes: ABCB11 (ATP binding cassette subfamily B member 11; minus strand), LOC126806400 (CDK7 strongly-dependent group 2 enhancer GRCh37_chr2:169791870-169793069; plus strand). Cytogenetic location: 2q31.1.
Variant type: single nucleotide variant.
Coding change: c.2792A>C on transcript NM_003742.4 (MANE Select); coding-DNA position 2792, A replaced by C.
Protein change: p.Gln931Pro; replaces glutamine 931 with proline.
Molecular consequence: missense variant.
Genome position (GRCh38, 1-based): chr2:168,936,252, T>G on the plus strand (A>C on the coding strand, the complement: ABCB11 is on the minus strand). VCF-style: chr2-168936252-T-G. GRCh37 (hg19) VCF-style: chr2-169792762-T-G.
Other names: short protein forms Q931P.
Identifiers: ClinVar variation 4846140 (VCV004846140.1).

ClinVar aggregate classification (germline): Uncertain significance (1 of 4 stars; one submission).

Conditions:
Familial intrahepatic cholestasis. Identifiers: Orphanet 284385, MedGen CN296401, MONDO:0017290.

Submission:

Genomenon, Inc
Classification: Uncertain significance for Familial intrahepatic cholestasis. Last evaluated: 2026-04-14. Review status: criteria provided, single submitter. Criteria: Genomenon Sequence Variant Interpretation Standards - Updated. Collection method: curation. Allele origin: germline. Affected: yes.
Comment: ABCB11 p.Gln931Pro (c.2792A>C) is a missense variant that changes the amino acid at residue 931 from Glutamine to Proline. This variant has been observed in at least one proband with an ABCB11-related disorder (PMID:24969679). It is absent or not present at a significant frequency in gnomAD. In conclusion, we classify ABCB11 p.Gln931Pro (c.2792A>C) as a variant of uncertain significance.

Literature cited by the submitters: PubMed 24969679.